The following is an entry in ClinVar:

ClinVar aggregate classification (germline): Pathogenic (1 of 4 stars; one submission).

Conditions:
Two-raphe bicuspid aortic valve. Identifiers: MedGen C4476982, HP:0031122.
Abnormal morphology of left ventricular trabeculae. Identifiers: MedGen C4531288, HP:0031192.
Asymmetry of the thorax. Identifiers: MedGen C1858033, HP:0001555.
Abnormal ventricular septum morphology. Identifiers: MedGen C4021264, HP:0010438.
Facial asymmetry. Also called: Asymmetric Face. Identifiers: MedGen C1306710, HP:0000324.
Episodic vomiting. Also called: Frequent vomiting. Identifiers: MedGen C1838993, HP:0002572.
Patent foramen ovale. Identifiers: MedGen C0016522, MONDO:0020439, HP:0001655.

Submission:

Petrovsky National Research Centre of Surgery, The Federal Agency for Scientific Organizations
Classification: Pathogenic for Abnormal ventricular septum morphology; Patent foramen ovale; Facial asymmetry; Two-raphe bicuspid aortic valve; Asymmetry of the thorax; Abnormal morphology of left ventricular trabeculae; Episodic vomiting. Last evaluated: 2018-12-06. Review status: criteria provided, single submitter. Criteria: ACMG Guidelines, 2015. Collection method: clinical testing. Allele origin: de novo. Inheritance: Autosomal dominant inheritance. Affected: yes. Observed: 1 heterozygote.
Comment: The variant was proved to be de novo. Because of frameshift mutation type and de novo status, the variant meets the ACMG criteria to be classified as pathogenic (PVS1+PS2).

NM_001458.5(FLNC):c.7562-15_7637delinsGAGG

Genes: FLNC (filamin C; plus strand), FLNC-AS1 (FLNC antisense RNA 1; minus strand). Cytogenetic location: 7q32.1.
Variant type: Indel.
Coding change: c.7562-15_7637delinsGAGG on transcript NM_001458.5 (MANE Select); 15 bases into the intron before coding-DNA position 7562 through coding-DNA position 7637, the reference bases replaced by GAGG.
Molecular consequence: splice acceptor variant.
Genome position (GRCh38, 1-based): chr7:128,857,103-128,857,193, 91 bases replaced. GRCh37 (hg19): chr7:128,497,157-128,497,247.
Other names: c.7463-15_7538delinsGAGG (NM_001127487.2).
Identifiers: ClinVar variation 599235 (VCV000599235.2), dbSNP rs1563005360, ClinGen allele CA913189350.